The following is an entry in ClinVar:

NM_001113491.2(SEPTIN9):c.1582A>G (p.Thr528Ala)

Gene: SEPTIN9 (septin 9; plus strand). Cytogenetic location: 17q25.3.
Variant type: single nucleotide variant.
Coding change: c.1582A>G on transcript NM_001113491.2 (MANE Select); coding-DNA position 1582, A replaced by G.
Protein change: p.Thr528Ala; replaces threonine 528 with alanine.
Molecular consequence: missense variant.
Genome position (GRCh38, 1-based): chr17:77,497,323, A>G. VCF-style: chr17-77497323-A-G. GRCh37 (hg19) VCF-style: chr17-75493405-A-G.
Other names: c.1090A>G, p.Thr364Ala (NM_001113492.2, NM_001113494.1); c.1561A>G, p.Thr521Ala (NM_001113493.2); c.829A>G, p.Thr277Ala (NM_001113495.2, NM_001113496.2, NM_001293697.2 and 1 more transcripts); c.1525A>G, p.Thr509Ala (NM_001293695.2); c.910A>G, p.Thr304Ala (NM_001293696.2); c.1528A>G, p.Thr510Ala (NM_006640.5); short protein forms T364A, T521A, T509A, T510A, T277A, T304A, T528A.
Identifiers: ClinVar variation 3002370 (VCV003002370.4), dbSNP rs780029243, ClinGen allele CA8793859.
Genomic context (GRCh38, chr17:77,497,323, plus strand): 5'-GGGCAGAGTTTCTCCACTGGGACATTAAAGCCCCTCCTGTCTCCTCTCCTAGTTGAAAAC[A>G]CCACACACTGTGAGTTTGCCTACCTGCGGGACCTTCTCATCAGGTGAGAGACAGGGTGCT-3'
Protein context (NP_001106963.1, residues 518-538): TKWGTIEVEN[Thr528Ala]THCEFAYLRD

ClinVar aggregate classification (germline): Uncertain significance. Review status: criteria provided, multiple submitters, no conflicts (2 of 4 stars). 2 submissions from 2 submitters: Uncertain significance (2). Last evaluated 2024-09-11.

Allele frequency attached by ClinVar (database versions not stated): TOPMed below 0.00001; ExAC 0.00001; gnomAD 0.00001; gnomAD exomes 0.00002.
gnomAD v4.1: 24 of 1,613,716 alleles (0.0015%); highest among the groups gnomAD compares: Non-Finnish European, 0.0019%; no homozygotes.

Submissions (2):

Blueprint Genetics
Classification: Uncertain significance. Last evaluated: 2024-09-11. Review status: criteria provided, single submitter. Criteria: ACMG Guidelines, 2015. Collection method: clinical testing. Allele origin: germline.

Labcorp Genetics (formerly Invitae), Labcorp
Classification: Uncertain significance. Last evaluated: 2024-04-18. Review status: criteria provided, single submitter. Criteria: Invitae Variant Classification Sherloc (09022015). Collection method: clinical testing. Allele origin: germline.
Comment: This sequence change replaces threonine, which is neutral and polar, with alanine, which is neutral and non-polar, at codon 510 of the SEPT9 protein (p.Thr510Ala). This variant is present in population databases (rs780029243, gnomAD 0.003%). This variant has not been reported in the literature in individuals affected with SEPT9-related conditions. Advanced modeling of protein sequence and biophysical properties (such as structural, functional, and spatial information, amino acid conservation, physicochemical variation, residue mobility, and thermodynamic stability) performed at Invitae indicates that this missense variant is not expected to disrupt SEPT9 protein function with a negative predictive value of 80%. In summary, the available evidence is currently insufficient to determine the role of this variant in disease. Therefore, it has been classified as a Variant of Uncertain Significance.